The following is an entry in ClinVar:

ClinVar aggregate classification (germline): Uncertain significance (1 of 4 stars; one submission).

Conditions:
Inborn genetic diseases. Identifiers: MedGen C0950123, MeSH D030342.

Submission:

Ambry Genetics
Classification: Uncertain significance for Inborn genetic diseases. Last evaluated: 2024-05-02. Review status: criteria provided, single submitter. Criteria: Ambry Variant Classification Scheme 2023. Collection method: clinical testing. Allele origin: germline.
Comment: The p.R950S variant (also known as c.2850A>C), located in coding exon 22 of the LRRK2 gene, results from an A to C substitution at nucleotide position 2850. The arginine at codon 950 is replaced by serine, an amino acid with dissimilar properties. This amino acid position is conserved. In addition, the in silico prediction for this alteration is inconclusive. Based on the available evidence, the clinical significance of this variant remains unclear.

NM_198578.4(LRRK2):c.2850A>C (p.Arg950Ser)

Gene: LRRK2 (leucine rich repeat kinase 2; plus strand). Cytogenetic location: 12q12.
Variant type: single nucleotide variant.
Coding change: c.2850A>C on transcript NM_198578.4 (MANE Select); coding-DNA position 2850, A replaced by C.
Protein change: p.Arg950Ser; replaces arginine 950 with serine.
Molecular consequence: missense variant.
Genome position (GRCh38, 1-based): chr12:40,294,886, A>C. VCF-style: chr12-40294886-A-C. GRCh37 (hg19) VCF-style: chr12-40688688-A-C.
Other names: short protein forms R950S.
Identifiers: ClinVar variation 3291985 (VCV003291985.1).